The following is an entry in ClinVar:

ClinVar aggregate classification (germline): Uncertain significance (1 of 4 stars; one submission).

Submission:

GeneDx
Classification: Uncertain significance. Last evaluated: 2024-04-30. Review status: criteria provided, single submitter. Criteria: GeneDx Variant Classification Process June 2021. Collection method: clinical testing. Allele origin: germline. Affected: yes.
Comment: Not observed at significant frequency in large population cohorts (gnomAD); In silico analysis supports that this missense variant has a deleterious effect on protein structure/function; Has not been previously published as pathogenic or benign to our knowledge

NM_032217.5(ANKRD17):c.6071C>T (p.Pro2024Leu)

Gene: ANKRD17 (ankyrin repeat domain 17; minus strand). Cytogenetic location: 4q13.3.
Variant type: single nucleotide variant.
Coding change: c.6071C>T on transcript NM_032217.5 (MANE Select); coding-DNA position 6071, C replaced by T.
Protein change: p.Pro2024Leu; replaces proline 2024 with leucine.
Molecular consequence: missense variant.
Genome position (GRCh38, 1-based): chr4:73,091,557, G>A on the plus strand (C>T on the coding strand, the complement: ANKRD17 is on the minus strand). VCF-style: chr4-73091557-G-A. GRCh37 (hg19) VCF-style: chr4-73957274-G-A.
Other names: c.5732C>T, p.Pro1911Leu (NM_001286771.3); c.6068C>T, p.Pro2023Leu (NM_015574.2); c.5318C>T, p.Pro1773Leu (NM_198889.3); short protein forms P1773L, P1911L, P2023L, P2024L.
Identifiers: ClinVar variation 3373107 (VCV003373107.1).